The following is an entry in ClinVar:

ClinVar aggregate classification (germline): Uncertain significance. Review status: criteria provided, multiple submitters, no conflicts (2 of 4 stars). 2 submissions from 2 submitters: Uncertain significance (2). Last evaluated 2025-06-27.

Allele frequency attached by ClinVar (database versions not stated): TOPMed 0.00002.
gnomAD v4.1: 34 of 1,614,040 alleles (0.0021%); highest among the groups gnomAD compares: Non-Finnish European, 0.0029%; no homozygotes.

Submissions (2):

Labcorp Genetics (formerly Invitae), Labcorp
Classification: Uncertain significance. Last evaluated: 2025-06-27. Review status: criteria provided, single submitter. Criteria: Invitae Variant Classification Sherloc (09022015). Collection method: clinical testing. Allele origin: germline.
Comment: This sequence change replaces glutamic acid, which is acidic and polar, with glutamine, which is neutral and polar, at codon 81 of the PRPF4 protein (p.Glu81Gln). This variant is not present in population databases (gnomAD no frequency). This variant has not been reported in the literature in individuals affected with PRPF4-related conditions. ClinVar contains an entry for this variant (Variation ID: 964682). An algorithm developed to predict the effect of missense changes on protein structure and function (PolyPhen-2) suggests that this variant is likely to be tolerated. In summary, the available evidence is currently insufficient to determine the role of this variant in disease. Therefore, it has been classified as a Variant of Uncertain Significance.

Blueprint Genetics
Classification: Uncertain significance. Last evaluated: 2019-09-06. Review status: criteria provided, single submitter. Criteria: ACMG Guidelines, 2015. Collection method: clinical testing. Allele origin: germline.

NM_001244926.2(PRPF4):c.238G>C (p.Glu80Gln)

Gene: PRPF4 (pre-mRNA splicing tri-snRNP complex factor PRPF4; plus strand). Cytogenetic location: 9q32.
Variant type: single nucleotide variant.
Coding change: c.238G>C on transcript NM_001244926.2 (MANE Select); coding-DNA position 238, G replaced by C.
Protein change: p.Glu80Gln; replaces glutamic acid 80 with glutamine.
Molecular consequence: missense variant. On other transcripts: 5 prime UTR variant (2), non-coding transcript variant (2).
Genome position (GRCh38, 1-based): chr9:113,278,977, G>C. VCF-style: chr9-113278977-G-C. GRCh37 (hg19) VCF-style: chr9-116041257-G-C.
Other names: c.-528G>C (NM_001322266.2, NM_001322267.2); c.241G>C, p.Glu81Gln (NM_004697.5); short protein forms E80Q, E81Q.
Identifiers: ClinVar variation 964682 (VCV000964682.10), dbSNP rs772238193, ClinGen allele CA374551907.
Genomic context (GRCh38, chr9:113,278,977, plus strand): 5'-CTGATGTTGCCTGTTTTCTTTTTAATAGGAGAAGTGTTTGAAATTGAAGAGCATATCAGC[G>C]AGCGACAGGCAGAAGTATTGGCTGAGTTTGAGAGAAGGAAGCGAGCCCGGCAGATCAATG-3'
Protein context (NP_001231855.1, residues 70-90): EVFEIEEHIS[Glu80Gln]RQAEVLAEFE